The following is an entry in ClinVar:

NM_001166114.2(PNPLA6):c.2329A>G (p.Ile777Val)

Gene: PNPLA6 (patatin like domain 6, lysophospholipase; plus strand). Cytogenetic location: 19p13.2.
Variant type: single nucleotide variant.
Coding change: c.2329A>G on transcript NM_001166114.2 (MANE Select); coding-DNA position 2329, A replaced by G.
Protein change: p.Ile777Val; replaces isoleucine 777 with valine.
Molecular consequence: missense variant.
Genome position (GRCh38, 1-based): chr19:7,553,943, A>G. VCF-style: chr19-7553943-A-G. GRCh37 (hg19) VCF-style: chr19-7618829-A-G.
Other names: c.2359A>G, p.Ile787Val (NM_001166111.2); c.2134A>G, p.Ile712Val (NM_001166112.2); c.2215A>G, p.Ile739Val (NM_001166113.1, NM_006702.5); short protein forms I787V, I712V, I739V, I777V.
Identifiers: ClinVar variation 1421498 (VCV001421498.3), dbSNP rs752227045, ClinGen allele CA9140062.

ClinVar aggregate classification (germline): Uncertain significance (1 of 4 stars; one submission).

Conditions:
Hereditary spastic paraplegia 39 (SPG39). Also called: SPASTIC PARAPLEGIA 39, AUTOSOMAL RECESSIVE; Spastic Paraplegia Type 39 (SPG39). Identifiers: Orphanet 139480, MedGen C2677586, MONDO:0012787, OMIM 612020.

Allele frequency attached by ClinVar (database versions not stated): gnomAD 0.00001 and 0.00002; TOPMed 0.00001; gnomAD exomes 0.00003; ExAC 0.00004.
gnomAD v4.1: 19 of 1,613,952 alleles (0.0012%); highest among the groups gnomAD compares: South Asian, 0.018%; no homozygotes.

Submission:

Labcorp Genetics (formerly Invitae), Labcorp
Classification: Uncertain significance for Hereditary spastic paraplegia 39. Last evaluated: 2022-06-20. Review status: criteria provided, single submitter. Criteria: Invitae Variant Classification Sherloc (09022015). Collection method: clinical testing. Allele origin: germline.
Comment: This sequence change replaces isoleucine, which is neutral and non-polar, with valine, which is neutral and non-polar, at codon 739 of the PNPLA6 protein (p.Ile739Val). This variant is present in population databases (rs752227045, gnomAD 0.03%). This variant has not been reported in the literature in individuals affected with PNPLA6-related conditions. Algorithms developed to predict the effect of missense changes on protein structure and function output the following: SIFT: "Tolerated"; PolyPhen-2: "Benign"; Align-GVGD: "Class C0". The valine amino acid residue is found in multiple mammalian species, which suggests that this missense change does not adversely affect protein function. Algorithms developed to predict the effect of sequence changes on RNA splicing suggest that this variant may create or strengthen a splice site. In summary, the available evidence is currently insufficient to determine the role of this variant in disease. Therefore, it has been classified as a Variant of Uncertain Significance.